The following is an entry in ClinVar:

NM_003640.5(ELP1):c.1529A>G (p.Glu510Gly)

Gene: ELP1 (elongator acetyltransferase complex subunit 1; minus strand). Cytogenetic location: 9q31.3.
Variant type: single nucleotide variant.
Coding change: c.1529A>G on transcript NM_003640.5 (MANE Select); coding-DNA position 1529, A replaced by G.
Protein change: p.Glu510Gly; replaces glutamic acid 510 with glycine.
Molecular consequence: missense variant.
Genome position (GRCh38, 1-based): chr9:108,906,417, T>C on the plus strand (A>G on the coding strand, the complement: ELP1 is on the minus strand). VCF-style: chr9-108906417-T-C. GRCh37 (hg19) VCF-style: chr9-111668697-T-C.
Other names: c.1529A>G (LRG_251t1, NM_003640.4); c.1187A>G, p.Glu396Gly (NM_001318360.2); c.482A>G, p.Glu161Gly (NM_001330749.2); short protein forms E510G, E161G, E396G.
Identifiers: ClinVar variation 526192 (VCV000526192.9), dbSNP rs755282356, ClinGen allele CA5174982.

ClinVar aggregate classification (germline): Uncertain significance. Review status: criteria provided, multiple submitters, no conflicts (2 of 4 stars). 5 submissions from 5 submitters: Uncertain significance (4). 1 of the submissions does not count toward it. Last evaluated 2022-09-29.

Conditions:
Familial dysautonomia. Also called: FD; HSAN III. Identifiers: Orphanet 1764, MedGen C0013364, MONDO:0009131, OMIM 223900. Disease mechanism: loss of function.

Allele frequency attached by ClinVar (database versions not stated): ExAC 0.00002; gnomAD 0.00004 and 0.00005; gnomAD exomes 0.00004; TOPMed 0.00005.
gnomAD v4.1: 45 of 1,613,976 alleles (0.0028%); highest among the groups gnomAD compares: Middle Eastern, 0.2%; 1 homozygote.

Submissions (5):

Ambry Genetics
Classification: Uncertain significance. Last evaluated: 2022-09-29. Review status: criteria provided, single submitter. Criteria: Ambry Variant Classification Scheme 2023. Collection method: clinical testing. Allele origin: germline.

Clinical Genetics Laboratory, Skane University Hospital Lund
Classification: Uncertain significance. Last evaluated: 2022-05-27. Review status: criteria provided, single submitter. Criteria: ACMG Guidelines, 2015. Collection method: clinical testing. Allele origin: germline. Affected: yes.

Labcorp Genetics (formerly Invitae), Labcorp
Classification: Uncertain significance. Last evaluated: 2022-05-05. Review status: criteria provided, single submitter. Criteria: Invitae Variant Classification Sherloc (09022015). Collection method: clinical testing. Allele origin: germline.
Comment: This sequence change replaces glutamic acid, which is acidic and polar, with glycine, which is neutral and non-polar, at codon 510 of the ELP1 protein (p.Glu510Gly). This variant is present in population databases (rs755282356, gnomAD 0.009%). This variant has not been reported in the literature in individuals affected with ELP1-related conditions. ClinVar contains an entry for this variant (Variation ID: 526192). Algorithms developed to predict the effect of missense changes on protein structure and function (SIFT, PolyPhen-2, Align-GVGD) all suggest that this variant is likely to be tolerated. In summary, the available evidence is currently insufficient to determine the role of this variant in disease. Therefore, it has been classified as a Variant of Uncertain Significance.

Breakthrough Genomics
Classification: Uncertain significance. Review status: criteria provided, single submitter. Criteria: ACMG Guidelines, 2015. Collection method: not provided. Allele origin: germline. Inheritance: Autosomal recessive inheritance. Affected: yes.

Natera, Inc.
Classification: Uncertain significance for Familial dysautonomia. Last evaluated: 2020-09-16. Review status: no assertion criteria provided. Collection method: clinical testing. Allele origin: germline. Not counted in ClinVar's aggregate classification.